The following is an entry in ClinVar:

NM_004990.4(MARS1):c.1736G>A (p.Ser579Asn)

Gene: MARS1 (methionyl-tRNA synthetase 1; plus strand). Cytogenetic location: 12q13.3.
Variant type: single nucleotide variant.
Coding change: c.1736G>A on transcript NM_004990.4 (MANE Select); coding-DNA position 1736, G replaced by A.
Protein change: p.Ser579Asn; replaces serine 579 with asparagine.
Molecular consequence: missense variant.
Genome position (GRCh38, 1-based): chr12:57,512,336, G>A. VCF-style: chr12-57512336-G-A. GRCh37 (hg19) VCF-style: chr12-57906119-G-A.
Other names: short protein forms S579N.
Identifiers: ClinVar variation 3762181 (VCV003762181.2).
Genomic context (GRCh38, chr12:57,512,336, plus strand): 5'-TCCATAGCTTAGTCTTTCCTTGCTCAGCCCTAGGAGCTGAGGATAACTATACCTTGGTCA[G>A]CCACCTCATTGCTACAGGTAAGTACCCTGGAAGACTACTGATGGGGTGTTCATAGGAAAT-3'
Protein context (NP_004981.2, residues 569-589): LGAEDNYTLV[Ser579Asn]HLIATEYLNY

ClinVar aggregate classification (germline): Uncertain significance (1 of 4 stars; one submission).

Conditions:
Severe early-onset pulmonary alveolar proteinosis due to MARS deficiency. Also called: PULMONARY ALVEOLAR PROTEINOSIS, REUNION ISLAND; Interstitial lung and liver disease. Identifiers: Orphanet 440427, MedGen C4225400, MONDO:0014206, OMIM 615486.
Charcot-Marie-Tooth disease axonal type 2U. Also called: CHARCOT-MARIE-TOOTH NEUROPATHY, TYPE 2U; CHARCOT-MARIE-TOOTH DISEASE, AXONAL, AUTOSOMAL DOMINANT, TYPE 2U. Identifiers: Orphanet 397735, MedGen C4084821, MONDO:0014566, OMIM 616280.

gnomAD v4.1: 1 of 1,613,508 alleles (0.000062%); highest among the groups gnomAD compares: East Asian, 0.0022%; no homozygotes.

Submission:

Labcorp Genetics (formerly Invitae), Labcorp
Classification: Uncertain significance for Charcot-Marie-Tooth disease axonal type 2U; Severe early-onset pulmonary alveolar proteinosis due to MARS deficiency. Last evaluated: 2024-07-03. Review status: criteria provided, single submitter. Criteria: Invitae Variant Classification Sherloc (09022015). Collection method: clinical testing. Allele origin: germline.
Comment: This sequence change replaces serine, which is neutral and polar, with asparagine, which is neutral and polar, at codon 579 of the MARS protein (p.Ser579Asn). This variant is present in population databases (rs763195113, gnomAD 0.006%). This variant has not been reported in the literature in individuals affected with MARS-related conditions. Algorithms developed to predict the effect of missense changes on protein structure and function output the following: SIFT: "Not Available"; PolyPhen-2: "Benign"; Align-GVGD: "Not Available". The asparagine amino acid residue is found in multiple mammalian species, which suggests that this missense change does not adversely affect protein function. In summary, the available evidence is currently insufficient to determine the role of this variant in disease. Therefore, it has been classified as a Variant of Uncertain Significance.